The following is an entry in ClinVar:

NM_004360.5(CDH1):c.1161C>T (p.Asn387=)

Gene: CDH1 (cadherin 1; plus strand). Cytogenetic location: 16q22.1.
Variant type: single nucleotide variant.
Coding change: c.1161C>T on transcript NM_004360.5 (MANE Select); coding-DNA position 1161, C replaced by T.
Protein change: p.Asn387=; no amino-acid change (asparagine 387 retained).
Molecular consequence: synonymous variant. On other transcripts: 5 prime UTR variant (2), intron variant (1).
Genome position (GRCh38, 1-based): chr16:68,813,336, C>T. VCF-style: chr16-68813336-C-T. GRCh37 (hg19) VCF-style: chr16-68847239-C-T.
Other names: c.1161C>T (LRG_301t1); c.-455C>T (NM_001317185.2); c.-659C>T (NM_001317186.2); c.1137+1073C>T (NM_001317184.2).
Identifiers: ClinVar variation 184387 (VCV000184387.33), dbSNP rs111266450, ClinGen allele CA188814.

ClinVar aggregate classification (germline): Conflicting classifications of pathogenicity. Review status: criteria provided, conflicting classifications (1 of 4 stars). 13 submissions from 13 submitters: Uncertain significance (1); Benign (6); Likely benign (4). 2 of the submissions do not count toward it. Last evaluated 2025-12-31.

Conditions:
CDH1-related disorder. Also called: CDH1-related condition.
Hereditary cancer-predisposing syndrome. Also called: Tumor predisposition; Neoplastic Syndromes, Hereditary; Hereditary neoplastic syndrome; Hereditary Cancer Syndrome. Identifiers: Orphanet 140162, MedGen C0027672, MeSH D009386, MONDO:0015356.
Hereditary diffuse gastric adenocarcinoma (HDGC). Also called: DIFFUSE GASTRIC AND LOBULAR BREAST CANCER SYNDROME. Identifiers: Orphanet 26106, MedGen C1708349, MONDO:0007648, OMIM 137215.

Allele frequency attached by ClinVar (database versions not stated): gnomAD 0.00003 and 0.00004; ExAC 0.00007; TOPMed 0.00008; 1000 Genomes Project 0.00020; 1000 Genomes Project 30x 0.00031.
gnomAD v4.1: 37 of 1,614,090 alleles (0.0023%); highest among the groups gnomAD compares: Admixed American, 0.027%; no homozygotes.

Submissions (13):

Labcorp Genetics (formerly Invitae), Labcorp
Classification: Benign for Hereditary diffuse gastric adenocarcinoma. Last evaluated: 2025-12-31. Review status: criteria provided, single submitter. Criteria: Invitae Variant Classification Sherloc (09022015). Collection method: clinical testing. Allele origin: germline.

Center for Genomic Medicine, Rigshospitalet, Copenhagen University Hospital
Classification: Likely benign. Last evaluated: 2025-03-04. Review status: criteria provided, single submitter. Criteria: ACMG Guidelines, 2015. Collection method: clinical testing. Allele origin: germline.

Quest Diagnostics Nichols Institute San Juan Capistrano
Classification: Benign. Last evaluated: 2023-04-04. Review status: criteria provided, single submitter. Criteria: Quest Diagnostics criteria. Collection method: clinical testing. Allele origin: unknown.

Myriad Genetics, Inc.
Classification: Benign for Hereditary diffuse gastric adenocarcinoma. Last evaluated: 2023-03-06. Review status: criteria provided, single submitter. Criteria: Myriad Autosomal Dominant, Autosomal Recessive and X-Linked Classification Criteria (2023). Collection method: clinical testing. Allele origin: unknown.
Comment: This variant is considered benign. This variant is a silent/synonymous amino acid change and it is not expected to impact splicing.

Blueprint Genetics
Classification: Likely benign. Last evaluated: 2023-02-01. Review status: criteria provided, single submitter. Criteria: ACMG Guidelines, 2015. Collection method: clinical testing. Allele origin: germline.

European Reference Network on Genetic Tumour Risk Syndromes (ERN-GENTURIS), i3s - Instituto de Investigação e Inovação em Saúde, University of Porto
Classification: Uncertain significance for Hereditary diffuse gastric adenocarcinoma. Last evaluated: 2022-08-01. Review status: criteria provided, single submitter. Criteria: Lee et al. (Hum Mutat. 2018). Collection method: clinical testing. Allele origin: germline. Inheritance: Autosomal dominant inheritance. Affected: no. Study: ERN GENTURIS.
Comment: Not applicable criteria (PMID: 30311375)

Sema4
Classification: Benign for Hereditary cancer-predisposing syndrome. Last evaluated: 2022-02-24. Review status: criteria provided, single submitter. Criteria: Sema4 Curation Guidelines. Collection method: curation. Allele origin: germline.

Women's Health and Genetics/Laboratory Corporation of America, LabCorp
Classification: Benign. Last evaluated: 2018-08-27. Review status: criteria provided, single submitter. Criteria: LabCorp Variant Classification Summary - May 2015. Collection method: clinical testing. Allele origin: germline.
Comment: Variant summary: CDH1 c.1161C>T results in a synonymous change. 5/5 computational tools predict no significant impact on normal splicing. However, these predictions have yet to be confirmed by functional studies. The variant allele was found at a frequency of 6.5e-05 in 277224 control chromosomes. The observed variant frequency is approximately 2.3-fold above the estimated maximal expected allele frequency for a pathogenic variant in CDH1 causing Hereditary Diffuse Gastric Cancer phenotype (2.8e-05), strongly suggesting that the variant is benign. To our knowledge, no occurrence of c.1161C>T in individuals affected with Hereditary Diffuse Gastric Cancer and no experimental evidence demonstrating its impact on protein function have been reported. Four clinical diagnostic laboratories have submitted clinical-significance assessments for this variant to ClinVar after 2014 and all classified the variant as benign/likely benign. Based on the evidence outlined above, the variant was classified as benign.

Color Diagnostics, LLC DBA Color Health
Classification: Likely benign for Hereditary cancer-predisposing syndrome. Last evaluated: 2016-04-26. Review status: criteria provided, single submitter. Criteria: ACMG Guidelines, 2015. Collection method: clinical testing. Allele origin: germline.

GeneDx
Classification: Benign. Last evaluated: 2015-06-09. Review status: criteria provided, single submitter. Criteria: GeneDx Variant Classification (06012015). Collection method: clinical testing. Allele origin: germline. Affected: yes.
Comment: This variant is considered likely benign or benign based on one or more of the following criteria: it is a conservative change, it occurs at a poorly conserved position in the protein, it is predicted to be benign by multiple in silico algorithms, and/or has population frequency not consistent with disease.

Ambry Genetics
Classification: Likely benign for Hereditary cancer-predisposing syndrome. Last evaluated: 2015-04-02. Review status: criteria provided, single submitter. Criteria: Ambry Variant Classification Scheme 2023. Collection method: clinical testing. Allele origin: germline.

PreventionGenetics, part of Exact Sciences
Classification: Likely benign for CDH1-related condition. Last evaluated: 2019-10-31. Review status: no assertion criteria provided. Collection method: clinical testing. Allele origin: germline. Not counted in ClinVar's aggregate classification.
Comment: This variant is classified as likely benign based on ACMG/AMP sequence variant interpretation guidelines (Richards et al. 2015 PMID: 25741868, with internal and published modifications).

Counsyl
Classification: Likely benign for Hereditary diffuse gastric adenocarcinoma. Last evaluated: 2016-05-10. Review status: no assertion criteria provided. Collection method: clinical testing. Allele origin: unknown. Not counted in ClinVar's aggregate classification.

Literature cited by the submitters: PubMed 30287823 (cited by Quest Diagnostics Nichols Institute San Juan Capistrano); PubMed 36436516 (cited by European Reference Network on Genetic Tumour Risk Syndromes (ERN-GENTURIS), i3s - Instituto de Investigação e Inovação em Saúde, University of Porto).